The following is an entry in ClinVar:

NM_001457.4(FLNB):c.3661A>G (p.Lys1221Glu)

Gene: FLNB (filamin B; plus strand). Cytogenetic location: 3p14.3.
Variant type: single nucleotide variant.
Coding change: c.3661A>G on transcript NM_001457.4 (MANE Select); coding-DNA position 3661, A replaced by G.
Protein change: p.Lys1221Glu; replaces lysine 1221 with glutamic acid.
Molecular consequence: missense variant.
Genome position (GRCh38, 1-based): chr3:58,123,627, A>G. VCF-style: chr3-58123627-A-G. GRCh37 (hg19) VCF-style: chr3-58109354-A-G.
Other names: c.3661A>G, p.Lys1221Glu (NM_001164317.2, NM_001164318.2, NM_001164319.2); short protein forms K1221E.
Identifiers: ClinVar variation 424240 (VCV000424240.7), dbSNP rs537630384, ClinGen allele CA2468472.
Genomic context (GRCh38, chr3:58,123,627, plus strand): 5'-ATGTACACGTTGACCATGAAGTATGGTGGCGAACTCGTGCCACACTTCCCCGCCCGGGTC[A>G]AGGTGGAGCCCGCCGTGGACACCAGCAGGATCAAAGTCTTTGGACCAGGAATAGAAGGGA-3'
Protein context (NP_001448.2, residues 1211-1231): ELVPHFPARV[Lys1221Glu]VEPAVDTSRI

ClinVar aggregate classification (germline): Conflicting classifications of pathogenicity. Review status: criteria provided, conflicting classifications (1 of 4 stars). 2 submissions from 2 submitters: Uncertain significance (1); Likely benign (1). Last evaluated 2025-09-17.

Allele frequency attached by ClinVar (database versions not stated): gnomAD exomes 0.00002 and 0.00008; TOPMed 0.00002; gnomAD 0.00004 and 0.00007; ExAC 0.00009; 1000 Genomes Project 30x 0.00062; 1000 Genomes Project 0.00080.
gnomAD v4.1: 37 of 1,612,672 alleles (0.0023%); highest among the groups gnomAD compares: East Asian, 0.074%; no homozygotes.

Submissions (2):

Labcorp Genetics (formerly Invitae), Labcorp
Classification: Likely benign. Last evaluated: 2025-09-17. Review status: criteria provided, single submitter. Criteria: Invitae Variant Classification Sherloc (09022015). Collection method: clinical testing. Allele origin: germline.

GeneDx
Classification: Uncertain significance. Last evaluated: 2017-03-10. Review status: criteria provided, single submitter. Criteria: GeneDx Variant Classification (06012015). Collection method: clinical testing. Allele origin: germline. Affected: yes.
Comment: The K1221E variant has not been published as a pathogenic variant, nor has it been reported as a benign variant to our knowledge. The K1221E variant is observed in 4/1008 (0.4%) alleles from individuals of East Asian background in the 1000 Genomes Project (1000 Genomes Consortium et al., 2015) and 11/8510 (0.13%) alleles from individuals of East Asian background in the ExAC dataset (Lek et al., 2016). The K1221E variant is a non-conservative amino acid substitution, which is likely to impact secondary protein structure as these residues differ in polarity, charge, size and/or other properties. This substitution occurs at a position that is conserved across species. In silico analysis is inconsistent in its predictions as to whether or not the variant is damaging to the protein structure/function. In summary, based on the currently available information, it is unclear whether this variant is a pathogenic variant or a rare benign variant.